The following is an entry in ClinVar:

ClinVar aggregate classification (germline): Uncertain significance (1 of 4 stars; one submission).

Conditions:
Breast-ovarian cancer, familial, susceptibility to, 4. Identifiers: Orphanet 145, MedGen C3280345, MONDO:0013669, OMIM 614291.

Submission:

Labcorp Genetics (formerly Invitae), Labcorp
Classification: Uncertain significance for Breast-ovarian cancer, familial, susceptibility to, 4. Last evaluated: 2019-08-08. Review status: criteria provided, single submitter. Criteria: Invitae Variant Classification Sherloc (09022015). Collection method: clinical testing. Allele origin: germline.
Comment: In summary, the available evidence is currently insufficient to determine the role of this variant in disease. Therefore, it has been classified as a Variant of Uncertain Significance. Algorithms developed to predict the effect of missense changes on protein structure and function (SIFT, PolyPhen-2, Align-GVGD) all suggest that this variant is likely to be disruptive, but these predictions have not been confirmed by published functional studies and their clinical significance is uncertain. This variant has not been reported in the literature in individuals with RAD51D-related conditions. This variant is not present in population databases (ExAC no frequency). This sequence change replaces alanine with proline at codon 121 of the RAD51D protein (p.Ala121Pro). The alanine residue is highly conserved and there is a small physicochemical difference between alanine and proline.

NM_002878.4(RAD51D):c.361G>C (p.Ala121Pro)

Genes: RAD51D (RAD51 paralog D; minus strand), RAD51L3-RFFL (RAD51L3-RFFL readthrough; minus strand). Cytogenetic location: 17q12.
Variant type: single nucleotide variant.
Coding change: c.361G>C on transcript NM_002878.4 (MANE Select); coding-DNA position 361, G replaced by C.
Protein change: p.Ala121Pro; replaces alanine 121 with proline.
Molecular consequence: missense variant. On other transcripts: non-coding transcript variant (1), intron variant (1).
Genome position (GRCh38, 1-based): chr17:35,107,107, C>G on the plus strand (G>C on the coding strand, the complement: RAD51D is on the minus strand). VCF-style: chr17-35107107-C-G. GRCh37 (hg19) VCF-style: chr17-33434126-C-G.
Other names: c.421G>C, p.Ala141Pro (NM_001142571.2); c.145-626G>C (NM_133629.3); short protein forms A141P, A121P.
Identifiers: ClinVar variation 943850 (VCV000943850.6), dbSNP rs1555568366, ClinGen allele CA399089379.